The following is an entry in ClinVar:

NM_019032.6(ADAMTSL4):c.2705C>A (p.Ala902Asp)

Gene: ADAMTSL4 (ADAMTS like 4; plus strand). Cytogenetic location: 1q21.2.
Variant type: single nucleotide variant.
Coding change: c.2705C>A on transcript NM_019032.6 (MANE Select); coding-DNA position 2705, C replaced by A.
Protein change: p.Ala902Asp; replaces alanine 902 with aspartic acid.
Molecular consequence: missense variant.
Genome position (GRCh38, 1-based): chr1:150,559,107, C>A. VCF-style: chr1-150559107-C-A. GRCh37 (hg19) VCF-style: chr1-150531583-C-A.
Other names: c.2588C>A, p.Ala863Asp (NM_001288607.2); c.2774C>A, p.Ala925Asp (NM_001288608.2); c.2705C>A, p.Ala902Asp (NM_001378596.1); short protein forms A902D, A925D, A863D.
Identifiers: ClinVar variation 1473048 (VCV001473048.3), dbSNP rs768629989, ClinGen allele CA1078812.

ClinVar aggregate classification (germline): Uncertain significance (1 of 4 stars; one submission).

Allele frequency attached by ClinVar (database versions not stated): gnomAD exomes 0.00001 and 0.00003; ExAC 0.00002; gnomAD 0.00002; TOPMed 0.00005.
gnomAD v4.1: 14 of 1,612,844 alleles (0.00087%); highest among the groups gnomAD compares: Admixed American, 0.023%; no homozygotes.

Submission:

Labcorp Genetics (formerly Invitae), Labcorp
Classification: Uncertain significance. Last evaluated: 2022-10-26. Review status: criteria provided, single submitter. Criteria: Invitae Variant Classification Sherloc (09022015). Collection method: clinical testing. Allele origin: germline.
Comment: This sequence change replaces alanine, which is neutral and non-polar, with aspartic acid, which is acidic and polar, at codon 902 of the ADAMTSL4 protein (p.Ala902Asp). This variant is present in population databases (rs768629989, gnomAD 0.02%). This variant has not been reported in the literature in individuals affected with ADAMTSL4-related conditions. ClinVar contains an entry for this variant (Variation ID: 1473048). Advanced modeling of protein sequence and biophysical properties (such as structural, functional, and spatial information, amino acid conservation, physicochemical variation, residue mobility, and thermodynamic stability) performed at Invitae indicates that this missense variant is expected to disrupt ADAMTSL4 protein function. In summary, the available evidence is currently insufficient to determine the role of this variant in disease. Therefore, it has been classified as a Variant of Uncertain Significance.